The following is an entry in ClinVar:

NM_001672.3(ASIP):c.90C>A (p.Leu30=)

Genes: AHCY (adenosylhomocysteinase; minus strand), ASIP (agouti signaling protein; plus strand). Cytogenetic location: 20q11.22.
Variant type: single nucleotide variant.
Coding change: c.90C>A on transcript NM_001672.3 (MANE Select); coding-DNA position 90, C replaced by A.
Protein change: p.Leu30=; no amino-acid change (leucine 30 retained).
Molecular consequence: synonymous variant.
Genome position (GRCh38, 1-based): chr20:34,260,464, C>A. VCF-style: chr20-34260464-C-A. GRCh37 (hg19) VCF-style: chr20-32848270-C-A.
Other names: c.90C>A, p.Leu30= (NM_001385218.1).
Identifiers: ClinVar variation 4978763 (VCV004978763.1).

ClinVar aggregate classification (germline): Likely benign (1 of 4 stars; one submission).

Conditions:
ASIP-related condition.

gnomAD v4.1: 6 of 1,614,014 alleles (0.00037%); highest among the groups gnomAD compares: Non-Finnish European, 0.00051%; no homozygotes.

Submission:

PreventionGenetics, part of Exact Sciences
Classification: Likely benign for ASIP-related condition. Last evaluated: 2024-10-22. Review status: criteria provided, single submitter. Criteria: ACMG Guidelines, 2015. Collection method: clinical testing. Allele origin: germline.
Comment: This variant is classified as likely benign based on ACMG/AMP sequence variant interpretation guidelines (Richards et al. 2015 PMID: 25741868, with internal and published modifications).